The following is an entry in ClinVar:

NM_030773.4(TUBB1):c.423G>A (p.Gly141=)

Gene: TUBB1 (tubulin beta 1 class VI; plus strand). Cytogenetic location: 20q13.32.
Variant type: single nucleotide variant.
Coding change: c.423G>A on transcript NM_030773.4 (MANE Select); coding-DNA position 423, G replaced by A.
Protein change: p.Gly141=; no amino-acid change (glycine 141 retained).
Molecular consequence: synonymous variant.
Genome position (GRCh38, 1-based): chr20:59,023,850, G>A. VCF-style: chr20-59023850-G-A. GRCh37 (hg19) VCF-style: chr20-57598905-G-A.
Identifiers: ClinVar variation 1684393 (VCV001684393.4), dbSNP rs768646480, ClinGen allele CA9928505.

ClinVar aggregate classification (germline): Likely benign. Review status: criteria provided, single submitter (1 of 4 stars). 2 submissions from 2 submitters: Likely benign (1). 1 of the submissions does not count toward it. Last evaluated 2024-11-11.

Conditions:
Macrothrombocytopenia, isolated, 1, autosomal dominant (MACTHC1). Also called: Autosomal dominant macrothrombocytopenia TUBB1-related. Identifiers: Orphanet 140957, MedGen C5676892, MONDO:0800047, OMIM 613112.

Allele frequency attached by ClinVar (database versions not stated): gnomAD exomes below 0.00001 and 0.00001; ExAC 0.00001; gnomAD 0.00001; TOPMed 0.00002.
gnomAD v4.1: 19 of 1,614,010 alleles (0.0012%); highest among the groups gnomAD compares: Non-Finnish European, 0.0014%; no homozygotes.

Submissions (2):

Labcorp Genetics (formerly Invitae), Labcorp
Classification: Likely benign. Last evaluated: 2024-11-11. Review status: criteria provided, single submitter. Criteria: Invitae Variant Classification Sherloc (09022015). Collection method: clinical testing. Allele origin: germline.

ISTH-SSC Genomics in Thrombosis and Hemostasis, KU Leuven, Center for Molecular and Vascular Biology
Classification: Uncertain significance for Macrothrombocytopenia, isolated, 1, autosomal dominant. Review status: no assertion criteria provided. Collection method: clinical testing. Allele origin: germline. Affected: yes. Not counted in ClinVar's aggregate classification.
Comment: Submitted to GoldVariant by Juliana Perez Botero from Versiti Diagnostic Laboratories, USA